The following is an entry in ClinVar:

ClinVar aggregate classification (germline): Uncertain significance. Review status: criteria provided, multiple submitters, no conflicts (2 of 4 stars). 3 submissions from 3 submitters: Uncertain significance (3). Last evaluated 2025-04-09.

Submissions (3):

Quest Diagnostics Nichols Institute San Juan Capistrano
Classification: Uncertain significance. Last evaluated: 2025-04-09. Review status: criteria provided, single submitter. Criteria: Quest Diagnostics criteria. Collection method: clinical testing. Allele origin: unknown.
Comment: The GALNT12 c.286_288del (p.Glu96del) variant has not been reported in individuals with GALNT12-related conditions in the published literature. It also has not been reported in large, multi-ethnic general populations (Genome Aggregation Database). Based on the available information, we are unable to determine the clinical significance of this variant.

Labcorp Genetics (formerly Invitae), Labcorp
Classification: Uncertain significance. Last evaluated: 2024-10-23. Review status: criteria provided, single submitter. Criteria: Invitae Variant Classification Sherloc (09022015). Collection method: clinical testing. Allele origin: germline.
Comment: This variant, c.286_288del, results in the deletion of 1 amino acid(s) of the GALNT12 protein (p.Glu96del), but otherwise preserves the integrity of the reading frame. This variant is not present in population databases (gnomAD no frequency). This variant has not been reported in the literature in individuals affected with GALNT12-related conditions. ClinVar contains an entry for this variant (Variation ID: 1796952). Experimental studies and prediction algorithms are not available or were not evaluated, and the functional significance of this variant is currently unknown. In summary, the available evidence is currently insufficient to determine the role of this variant in disease. Therefore, it has been classified as a Variant of Uncertain Significance.

Ambry Genetics
Classification: Uncertain significance. Last evaluated: 2020-01-30. Review status: criteria provided, single submitter. Criteria: Ambry Variant Classification Scheme 2023. Collection method: clinical testing. Allele origin: germline.
Comment: The c.286_288delGAG variant (also known as p.E96del) is located in coding exon 1 of the GALNT12 gene. This variant results from an in-frame GAG deletion at nucleotide positions 286 to 288. This results in the in-frame deletion of a glutamic acid at codon 96. This amino acid position is highly conserved in available vertebrate species. Since supporting evidence is limited at this time, the clinical significance of this alteration remains unclear.

NM_024642.5(GALNT12):c.283GAG[1] (p.Glu96del)

Gene: GALNT12 (polypeptide N-acetylgalactosaminyltransferase 12; plus strand). Cytogenetic location: 9q22.33.
Variant type: Microsatellite.
Coding change: c.283GAG[1] on transcript NM_024642.5 (MANE Select); one copy of the 3-base unit GAG starting at c.283; the reference has two copies in a row; one copy, 3 bases deleted; also written c.286_288del.
Protein change: p.Glu96del; deletes glutamic acid 96.
Molecular consequence: inframe deletion.
Genome position (GRCh38, 1-based): chr9:98,807,984-98,807,986, GAG deleted; deleting any 3 consecutive bases within chr9:98,807,979-98,807,986 gives the same sequence; the position shown is the placement nearest the transcript's 3' end. VCF-style (leftmost placement, unchanged base first): chr9-98807978-CAGG-C. GRCh37 (hg19) VCF-style: chr9-101570260-CAGG-C.
Other names: c.286_288del (NM_024642.4); c.286_288delGAG (NM_024642.4); short protein forms E96del.
Identifiers: ClinVar variation 1796952 (VCV001796952.8), dbSNP rs2490456067, ClinGen allele CA2580616260.
Genomic context (GRCh38, chr9:98,807,978, plus strand): 5'-GCGCTGGGCGCGCGGGGCGAGGCGGTGCGGCTGCAGCTGCAGGGCGAGGAGCTGCGGCTG[CAGG>C]AGGAGAGCGTGCGGCTGCACCAGATTAACATCTACCTCAGCGACCGCATCTCACTGCACC-3'